The following is an entry in ClinVar:

ClinVar aggregate classification (germline): Uncertain significance (1 of 4 stars; one submission).

Allele frequency attached by ClinVar (database versions not stated): gnomAD exomes below 0.00001.
gnomAD v4.1: 1 of 1,613,950 alleles (0.000062%); highest among the groups gnomAD compares: Non-Finnish European, 0.000085%; no homozygotes.

Submission:

Labcorp Genetics (formerly Invitae), Labcorp
Classification: Uncertain significance. Last evaluated: 2022-08-19. Review status: criteria provided, single submitter. Criteria: Invitae Variant Classification Sherloc (09022015). Collection method: clinical testing. Allele origin: germline.
Comment: This sequence change replaces threonine, which is neutral and polar, with isoleucine, which is neutral and non-polar, at codon 3131 of the LRP2 protein (p.Thr3131Ile). This variant is not present in population databases (gnomAD no frequency). This variant has not been reported in the literature in individuals affected with LRP2-related conditions. Advanced modeling of protein sequence and biophysical properties (such as structural, functional, and spatial information, amino acid conservation, physicochemical variation, residue mobility, and thermodynamic stability) performed at Invitae indicates that this missense variant is not expected to disrupt LRP2 protein function. In summary, the available evidence is currently insufficient to determine the role of this variant in disease. Therefore, it has been classified as a Variant of Uncertain Significance.

NM_004525.3(LRP2):c.9392C>T (p.Thr3131Ile)

Gene: LRP2 (LDL receptor related protein 2; minus strand). Cytogenetic location: 2q31.1.
Variant type: single nucleotide variant.
Coding change: c.9392C>T on transcript NM_004525.3 (MANE Select); coding-DNA position 9392, C replaced by T.
Protein change: p.Thr3131Ile; replaces threonine 3131 with isoleucine.
Molecular consequence: missense variant.
Genome position (GRCh38, 1-based): chr2:169,185,956, G>A on the plus strand (C>T on the coding strand, the complement: LRP2 is on the minus strand). VCF-style: chr2-169185956-G-A. GRCh37 (hg19) VCF-style: chr2-170042466-G-A.
Other names: short protein forms T3131I.
Identifiers: ClinVar variation 1955386 (VCV001955386.2), dbSNP rs943313790, ClinGen allele CA59916909.